The following is an entry in ClinVar:

ClinVar aggregate classification (germline): Uncertain significance (1 of 4 stars; one submission).

Conditions:
Episodic kinesigenic dyskinesia (EKD). Also called: Paroxysmal kinesigenic dyskinesia. Identifiers: Orphanet 98809, MedGen C1868682, MONDO:0044202.

Submission:

Labcorp Genetics (formerly Invitae), Labcorp
Classification: Uncertain significance for Episodic kinesigenic dyskinesia. Last evaluated: 2021-04-04. Review status: criteria provided, single submitter. Criteria: Invitae Variant Classification Sherloc (09022015). Collection method: clinical testing. Allele origin: germline.
Comment: In summary, the available evidence is currently insufficient to determine the role of this variant in disease. Therefore, it has been classified as a Variant of Uncertain Significance. Algorithms developed to predict the effect of missense changes on protein structure and function are either unavailable or do not agree on the potential impact of this missense change (SIFT: "Deleterious"; PolyPhen-2: "Probably Damaging"; Align-GVGD: "Class C0"). This variant has not been reported in the literature in individuals with PRRT2-related conditions. This variant is not present in population databases (ExAC no frequency). This sequence change replaces isoleucine with valine at codon 328 of the PRRT2 protein (p.Ile328Val). The isoleucine residue is highly conserved and there is a small physicochemical difference between isoleucine and valine.

NM_145239.3(PRRT2):c.982A>G (p.Ile328Val)

Genes: MVP-DT (MVP divergent transcript; minus strand), PRRT2 (proline rich transmembrane protein 2; plus strand). Cytogenetic location: 16p11.2.
Variant type: single nucleotide variant.
Coding change: c.982A>G on transcript NM_145239.3 (MANE Select); coding-DNA position 982, A replaced by G.
Protein change: p.Ile328Val; replaces isoleucine 328 with valine.
Molecular consequence: missense variant. On other transcripts: 3 prime UTR variant (1).
Genome position (GRCh38, 1-based): chr16:29,814,435, A>G. VCF-style: chr16-29814435-A-G. GRCh37 (hg19) VCF-style: chr16-29825756-A-G.
Other names: c.982A>G, p.Ile328Val (NM_001256442.2); c.*481A>G (NM_001256443.2); short protein forms I328V.
Identifiers: ClinVar variation 1474134 (VCV001474134.8), dbSNP rs2142429484, ClinGen allele CA395480775.